The following is an entry in ClinVar:

NM_000350.3(ABCA4):c.768+6435G>A

Gene: ABCA4 (ATP binding cassette subfamily A member 4; minus strand). Cytogenetic location: 1p22.1.
Variant type: single nucleotide variant.
Coding change: c.768+6435G>A on transcript NM_000350.3 (MANE Select); 6435 bases into the intron after coding-DNA position 768, G replaced by A.
Molecular consequence: intron variant.
Genome position (GRCh38, 1-based): chr1:94,092,359, C>T on the plus strand (G>A on the coding strand, the complement: ABCA4 is on the minus strand). VCF-style: chr1-94092359-C-T. GRCh37 (hg19) VCF-style: chr1-94557915-C-T.
Other names: c.768+6435G>A (NM_001425324.1).
Identifiers: ClinVar variation 4996497 (VCV004996497.1).

ClinVar aggregate classification (germline): Uncertain significance (1 of 4 stars; one submission).

Conditions:
ABCA4-related disorder. Also called: ABCA4-related disorders; ABCA4-related condition. Identifiers: MedGen CN239167.

gnomAD v4.1: 152 of 152,218 alleles (0.1%); highest among the groups gnomAD compares: African/African-American, 0.35%; 1 homozygote.

Submission:

PreventionGenetics, part of Exact Sciences
Classification: Uncertain significance for ABCA4-related condition. Last evaluated: 2025-09-23. Review status: criteria provided, single submitter. Criteria: ACMG Guidelines, 2015. Collection method: clinical testing. Allele origin: germline.
Comment: The ABCA4 c.768+6435G>A variant is predicted to interfere with splicing. To our knowledge, this deep intronic variant has not been reported in the literature. Other variants in this same intron (for examples: c.768+323C>T, c.769-788A>T, c.769-784C>T) have been reported in individuals with retinal disease (see for example: Khan et al. 2020. PubMed ID: 32307445). This variant is present in 0.42% of alleles in individuals of African descent in gnomAD, which may be too common to be a primary cause of disease. Although we suspect that this variant may be benign, at this time, the clinical significance of this variant is uncertain due to the absence of conclusive functional and genetic evidence.